The following is an entry in ClinVar:

NM_000548.5(TSC2):c.1119+3G>A

Gene: TSC2 (TSC complex subunit 2; plus strand). Cytogenetic location: 16p13.3.
Variant type: single nucleotide variant.
Coding change: c.1119+3G>A on transcript NM_000548.5 (MANE Select); 3 bases into the intron after coding-DNA position 1119, G replaced by A.
Molecular consequence: intron variant.
Genome position (GRCh38, 1-based): chr16:2,060,816, G>A. VCF-style: chr16-2060816-G-A. GRCh37 (hg19) VCF-style: chr16-2110817-G-A.
Other names: c.1119+3G>A (NM_001114382.3, NM_021055.3, NM_001370405.1 and 3 more transcripts); c.1008+3G>A (NM_001318827.2); c.519+3G>A (NM_001318831.2); c.972+3G>A (NM_001318829.2); c.1152+3G>A (NM_001318832.2).
Identifiers: ClinVar variation 961608 (VCV000961608.7), dbSNP rs79668097, ClinGen allele CA1139664336.
Genomic context (GRCh38, chr16:2,060,816, plus strand): 5'-GGTGGTGGCGTGGGACATTCTGCTGAACATCATCGAACGGCTCCTTCAGCAGCTCCAGGT[G>A]GGGTGGGGGCAGGAGCTCCGGGGAGCACCGGGAACCCAGACAGGCAGGCTCGGCCCACTC-3'

ClinVar aggregate classification (germline): Uncertain significance (1 of 4 stars; one submission).

Conditions:
Tuberous sclerosis 2 (TSC2). Identifiers: Orphanet 805, MedGen C1860707, MONDO:0013199, OMIM 613254.

Submission:

Labcorp Genetics (formerly Invitae), Labcorp
Classification: Uncertain significance for Tuberous sclerosis 2. Last evaluated: 2020-02-26. Review status: criteria provided, single submitter. Criteria: Invitae Variant Classification Sherloc (09022015). Collection method: clinical testing. Allele origin: germline.
Comment: This sequence change falls in intron 11 of the TSC2 gene. It does not directly change the encoded amino acid sequence of the TSC2 protein, but it affects a nucleotide within the consensus splice site of the intron. This variant is not present in population databases (ExAC no frequency). This variant has not been reported in the literature in individuals with TSC2-related conditions. Nucleotide substitutions within the consensus splice site are a relatively common cause of aberrant splicing (PMID: 17576681, 9536098). Algorithms developed to predict the effect of sequence changes on RNA splicing suggest that this variant is not likely to affect RNA splicing, but this prediction has not been confirmed by published transcriptional studies. In summary, the available evidence is currently insufficient to determine the role of this variant in disease. Therefore, it has been classified as a Variant of Uncertain Significance.

Literature cited by the submitters: PubMed 17576681; PubMed 9536098.